The following is an entry in ClinVar:

NM_001100913.3(PACS2):c.1812C>T (p.Ser604=)

Gene: PACS2 (phosphofurin acidic cluster sorting protein 2; plus strand). Cytogenetic location: 14q32.33.
Variant type: single nucleotide variant.
Coding change: c.1812C>T on transcript NM_001100913.3 (MANE Select); coding-DNA position 1812, C replaced by T.
Protein change: p.Ser604=; no amino-acid change (serine 604 retained).
Molecular consequence: synonymous variant.
Genome position (GRCh38, 1-based): chr14:105,384,384, C>T. VCF-style: chr14-105384384-C-T. GRCh37 (hg19) VCF-style: chr14-105850721-C-T.
Other names: c.1575C>T, p.Ser525= (NM_001243127.3); c.1800C>T, p.Ser600= (NM_015197.4); c.1812C>T (NM_001100913.2).
Identifiers: ClinVar variation 1600135 (VCV001600135.12), dbSNP rs149063451, ClinGen allele CA7389008.

ClinVar aggregate classification (germline): Benign/Likely benign. Review status: criteria provided, multiple submitters, no conflicts (2 of 4 stars). 4 submissions from 4 submitters: Benign (1); Likely benign (2). 1 of the submissions does not count toward it. Last evaluated 2025-12-16.

Conditions:
PACS2-related disorder. Also called: PACS2-related condition.

Allele frequency attached by ClinVar (database versions not stated): TOPMed 0.00022; gnomAD 0.00024 and 0.00025; ExAC 0.00027; 1000 Genomes Project 30x 0.00031; gnomAD exomes 0.00031; ESP Exome Variant Server 0.00038; 1000 Genomes Project 0.00040.
gnomAD v4.1: 488 of 1,612,142 alleles (0.03%); highest among the groups gnomAD compares: Admixed American, 0.058%; no homozygotes.

Submissions (4):

Labcorp Genetics (formerly Invitae), Labcorp
Classification: Benign. Last evaluated: 2025-12-16. Review status: criteria provided, single submitter. Criteria: Invitae Variant Classification Sherloc (09022015). Collection method: clinical testing. Allele origin: germline.

Blueprint Genetics
Classification: Likely benign. Last evaluated: 2024-11-13. Review status: criteria provided, single submitter. Criteria: ACMG Guidelines, 2015. Collection method: clinical testing. Allele origin: germline.

Breakthrough Genomics
Classification: Likely benign. Review status: criteria provided, single submitter. Criteria: ACMG Guidelines, 2015. Collection method: not provided. Allele origin: germline. Inheritance: Autosomal dominant inheritance. Affected: yes.

PreventionGenetics, part of Exact Sciences
Classification: Likely benign for PACS2-related condition. Last evaluated: 2022-03-17. Review status: no assertion criteria provided. Collection method: clinical testing. Allele origin: germline. Not counted in ClinVar's aggregate classification.
Comment: This variant is classified as likely benign based on ACMG/AMP sequence variant interpretation guidelines (Richards et al. 2015 PMID: 25741868, with internal and published modifications).